The following is an entry in ClinVar:

ClinVar aggregate classification (germline): Uncertain significance (1 of 4 stars; one submission).

Conditions:
Inborn genetic diseases. Identifiers: MedGen C0950123, MeSH D030342.

Submission:

Ambry Genetics
Classification: Uncertain significance for Inborn genetic diseases. Last evaluated: 2024-10-14. Review status: criteria provided, single submitter. Criteria: Ambry Variant Classification Scheme 2023. Collection method: clinical testing. Allele origin: germline.
Comment: The p.R450G variant (also known as c.1348A>G), located in coding exon 10 of the ACD gene, results from an A to G substitution at nucleotide position 1348. The arginine at codon 450 is replaced by glycine, an amino acid with dissimilar properties. This amino acid position is conserved. In addition, this alteration is predicted to be tolerated by in silico analysis. Based on the available evidence, the clinical significance of this variant remains unclear.

NM_001082486.2(ACD):c.1090A>G (p.Arg364Gly)

Gene: ACD (ACD shelterin complex subunit and telomerase recruitment factor; minus strand). Cytogenetic location: 16q22.1.
Variant type: single nucleotide variant.
Coding change: c.1090A>G on transcript NM_001082486.2 (MANE Select); coding-DNA position 1090, A replaced by G.
Protein change: p.Arg364Gly; replaces arginine 364 with glycine.
Molecular consequence: missense variant.
Genome position (GRCh38, 1-based): chr16:67,658,102, T>C on the plus strand (A>G on the coding strand, the complement: ACD is on the minus strand). VCF-style: chr16-67658102-T-C. GRCh37 (hg19) VCF-style: chr16-67692005-T-C.
Other names: c.1003A>G, p.Arg335Gly (NM_001410884.1); c.1081A>G, p.Arg361Gly (NM_022914.3); short protein forms R335G, R361G, R364G.
Identifiers: ClinVar variation 3480429 (VCV003480429.1).